The following is an entry in ClinVar:

NM_005228.5(EGFR):c.3253A>T (p.Thr1085Ser)

Gene: EGFR (epidermal growth factor receptor; plus strand). Cytogenetic location: 7p11.2.
Variant type: single nucleotide variant.
Coding change: c.3253A>T on transcript NM_005228.5 (MANE Select); coding-DNA position 3253, A replaced by T.
Protein change: p.Thr1085Ser; replaces threonine 1085 with serine.
Molecular consequence: missense variant.
Genome position (GRCh38, 1-based): chr7:55,202,607, A>T. VCF-style: chr7-55202607-A-T. GRCh37 (hg19) VCF-style: chr7-55270300-A-T.
Other names: c.3118A>T, p.Thr1040Ser (NM_001346897.2, NM_001346899.2); c.3253A>T, p.Thr1085Ser (NM_001346898.2); c.3094A>T, p.Thr1032Ser (NM_001346900.2); c.2452A>T, p.Thr818Ser (NM_001346941.2); short protein forms T1085S, T1032S, T1040S, T818S.
Identifiers: ClinVar variation 3843849 (VCV003843849.1).

ClinVar aggregate classification (germline): Uncertain significance (1 of 4 stars; one submission).

Conditions:
Hereditary cancer-predisposing syndrome. Also called: Hereditary neoplastic syndrome; Neoplastic Syndromes, Hereditary; Tumor predisposition; Hereditary Cancer Syndrome. Identifiers: Orphanet 140162, MedGen C0027672, MeSH D009386, MONDO:0015356.

Submission:

Ambry Genetics
Classification: Uncertain significance for Hereditary cancer-predisposing syndrome. Last evaluated: 2025-02-26. Review status: criteria provided, single submitter. Criteria: Ambry Variant Classification Scheme 2023. Collection method: clinical testing. Allele origin: germline.
Comment: The p.T1085S variant (also known as c.3253A>T), located in coding exon 27 of the EGFR gene, results from an A to T substitution at nucleotide position 3253. The threonine at codon 1085 is replaced by serine, an amino acid with similar properties. This amino acid position is conserved. In addition, this alteration is predicted to be tolerated by in silico analysis. Based on the available evidence, the clinical significance of this variant remains unclear.